The following is an entry in ClinVar:

ClinVar aggregate classification (germline): Uncertain significance (1 of 4 stars; one submission).

Conditions:
Inborn genetic diseases. Identifiers: MedGen C0950123, MeSH D030342.

gnomAD v4.1: 1 of 1,614,172 alleles (0.000062%); highest among the groups gnomAD compares: East Asian, 0.0022%; no homozygotes.

Submission:

Ambry Genetics
Classification: Uncertain significance for Inborn genetic diseases. Last evaluated: 2024-08-04. Review status: criteria provided, single submitter. Criteria: Ambry Variant Classification Scheme 2023. Collection method: clinical testing. Allele origin: germline.
Comment: The p.T196R variant (also known as c.587C>G), located in coding exon 6 of the EPAS1 gene, results from a C to G substitution at nucleotide position 587. The threonine at codon 196 is replaced by arginine, an amino acid with similar properties. This amino acid position is conserved. In addition, the in silico prediction for this alteration is inconclusive. Based on the available evidence, the clinical significance of this variant remains unclear.

NM_001430.5(EPAS1):c.587C>G (p.Thr196Arg)

Genes: EPAS1 (endothelial PAS domain protein 1; plus strand), LOC126806210 (BRD4-independent group 4 enhancer GRCh37_chr2:46587586-46588785; plus strand). Cytogenetic location: 2p21.
Variant type: single nucleotide variant.
Coding change: c.587C>G on transcript NM_001430.5 (MANE Select); coding-DNA position 587, C replaced by G.
Protein change: p.Thr196Arg; replaces threonine 196 with arginine.
Molecular consequence: missense variant.
Genome position (GRCh38, 1-based): chr2:46,360,898, C>G. VCF-style: chr2-46360898-C-G. GRCh37 (hg19) VCF-style: chr2-46588037-C-G.
Other names: short protein forms T196R.
Identifiers: ClinVar variation 3508925 (VCV003508925.1).
Genomic context (GRCh38, chr2:46,360,898, plus strand): 5'-CCCCAGCACTCTCGGCTCCATGTCTGACCCTTCCACGCCTGTCTCAGGTCTTGCACTGCA[C>G]GGGCCAGGTGAAAGTCTACAACAACTGCCCTCCTCACAATAGTCTGTGTGGCTACAAGGA-3'
Protein context (NP_001421.2, residues 186-206): KSATWKVLHC[Thr196Arg]GQVKVYNNCP